The following is an entry in ClinVar:

ClinVar aggregate classification (germline): Likely pathogenic (1 of 4 stars; one submission).

Submission:

GeneDx
Classification: Likely pathogenic. Last evaluated: 2019-08-16. Review status: criteria provided, single submitter. Criteria: GeneDx Variant Classification Process June 2021. Collection method: clinical testing. Allele origin: germline. Affected: yes.
Comment: Frameshift variant in the C-terminus predicted to result in protein truncation, as the last 77 amino acids are lost and replaced with 13 incorrect amino acids (HGMD); Not observed in large population cohorts (gnomAD); This variant is associated with the following publications: (PMID: 33004838, 36368308)

NM_001303052.2(MYT1L):c.3329_3332del (p.Ile1110fs)

Gene: MYT1L (myelin transcription factor 1 like; minus strand). Cytogenetic location: 2p25.3.
Variant type: Deletion.
Coding change: c.3329_3332del on transcript NM_001303052.2 (MANE Select); coding-DNA positions 3329 to 3332, 4 bases deleted (TTGA; older notation c.3329_3332delTTGA).
Protein change: p.Ile1110fs; shifts the reading frame from isoleucine 1110.
Molecular consequence: frameshift variant.
Genome position (GRCh38, 1-based): chr2:1,792,409-1,792,412, TCAA deleted on the plus strand (TTGA on the coding strand, the reverse complement: MYT1L is on the minus strand); deleting any 4 consecutive bases within chr2:1,792,409-1,792,415 gives the same sequence; the c. name uses the placement nearest the transcript's 3' end. VCF-style (leftmost placement, unchanged base first): chr2-1792408-CTCAA-C. GRCh37 (hg19) VCF-style: chr2-1796180-CTCAA-C.
Other names: c.3329_3332del, p.Ile1110fs (NM_001329844.2, NM_001329845.1, NM_001329849.3 and 2 more transcripts); c.3323_3326del, p.Ile1108fs (NM_001329846.3, NM_001329847.2, NM_001329848.1 and 1 more transcripts); short protein forms I1108fs, I1110fs.
Identifiers: ClinVar variation 4056838 (VCV004056838.1).
Genomic context (GRCh38, chr2:1,792,408, plus strand): 5'-GCTGTGGATCAGAGACTGGCTCAGGTTCGCCAGCTCGTGGAGGAGAGACTCGTTCTGCTG[CTCAA>C]TCACTTTGTTCTCCTCTTCGATGGTCTTCAGGTTGCTCTCCATCGTGGTAATCTGAAACG-3'